The following is an entry in ClinVar:

ClinVar aggregate classification (germline): Uncertain significance. Review status: criteria provided, multiple submitters, no conflicts (2 of 4 stars). 2 submissions from 2 submitters: Uncertain significance (2). Last evaluated 2024-10-30.

Conditions:
Hypertrophic cardiomyopathy. Also called: HYPERTROPHIC MYOCARDIOPATHY. Identifiers: Orphanet 217569, MedGen C0007194, MeSH D002312, MONDO:0005045, HP:0001639.

Submissions (2):

GeneDx
Classification: Uncertain significance. Last evaluated: 2024-10-30. Review status: criteria provided, single submitter. Criteria: GeneDx Variant Classification Process June 2021. Collection method: clinical testing. Allele origin: germline. Affected: yes.
Comment: Has not been previously published as pathogenic or benign to our knowledge; Not observed at significant frequency in large population cohorts (gnomAD); In silico analysis supports that this missense variant has a deleterious effect on protein structure/function

Labcorp Genetics (formerly Invitae), Labcorp
Classification: Uncertain significance for Hypertrophic cardiomyopathy. Last evaluated: 2024-09-29. Review status: criteria provided, single submitter. Criteria: Invitae Variant Classification Sherloc (09022015). Collection method: clinical testing. Allele origin: germline.
Comment: This sequence change replaces valine, which is neutral and non-polar, with leucine, which is neutral and non-polar, at codon 176 of the TNNI3 protein (p.Val176Leu). This variant is not present in population databases (gnomAD no frequency). This variant has not been reported in the literature in individuals affected with TNNI3-related conditions. An algorithm developed to predict the effect of missense changes on protein structure and function (PolyPhen-2) suggests that this variant is likely to be disruptive. In summary, the available evidence is currently insufficient to determine the role of this variant in disease. Therefore, it has been classified as a Variant of Uncertain Significance.

NM_000363.5(TNNI3):c.526G>C (p.Val176Leu)

Gene: TNNI3 (troponin I3, cardiac type; minus strand). Cytogenetic location: 19q13.42.
Variant type: single nucleotide variant.
Coding change: c.526G>C on transcript NM_000363.5 (MANE Select); coding-DNA position 526, G replaced by C.
Protein change: p.Val176Leu; replaces valine 176 with leucine.
Molecular consequence: missense variant.
Genome position (GRCh38, 1-based): chr19:55,154,053, C>G on the plus strand (G>C on the coding strand, the complement: TNNI3 is on the minus strand). VCF-style: chr19-55154053-C-G. GRCh37 (hg19) VCF-style: chr19-55665421-C-G.
Other names: short protein forms V176L.
Identifiers: ClinVar variation 3721451 (VCV003721451.3).
Genomic context (GRCh38, chr19:55,154,053, plus strand): 5'-CTCAGCATCCTCTTTCCTGGCCTTAGCCCACACTCACCTTCTCGGTGTCCTCCTTCTTCA[C>G]CTGCTTGAGGTGGGCCCGCAGGTCCAGGGACTCCTTAGCCCGGGCCCCCAGCAGCGCCTG-3'
Protein context (NP_000354.4, residues 166-186): SLDLRAHLKQ[Val176Leu]KKEDTEKENR